The following is an entry in ClinVar:

ClinVar aggregate classification (germline): Uncertain significance (1 of 4 stars; one submission).

gnomAD v4.1: 2 of 1,612,092 alleles (0.00012%); highest among the groups gnomAD compares: Non-Finnish European, 0.00017%; no homozygotes.

Submission:

GeneDx
Classification: Uncertain significance. Last evaluated: 2024-04-15. Review status: criteria provided, single submitter. Criteria: GeneDx Variant Classification Process June 2021. Collection method: clinical testing. Allele origin: germline. Affected: yes.
Comment: Not observed at significant frequency in large population cohorts (gnomAD); In silico analysis indicates that this missense variant does not alter protein structure/function; Has not been previously published as pathogenic or benign to our knowledge

NM_198904.4(GABRG2):c.343A>G (p.Ile115Val)

Gene: GABRG2 (gamma-aminobutyric acid type A receptor subunit gamma2; plus strand). Cytogenetic location: 5q34.
Variant type: single nucleotide variant.
Coding change: c.343A>G on transcript NM_198904.4 (MANE Select); coding-DNA position 343, A replaced by G.
Protein change: p.Ile115Val; replaces isoleucine 115 with valine.
Molecular consequence: missense variant. On other transcripts: intron variant (2).
Genome position (GRCh38, 1-based): chr5:162,097,653, A>G. VCF-style: chr5-162097653-A-G. GRCh37 (hg19) VCF-style: chr5-161524659-A-G.
Other names: c.343A>G, p.Ile115Val (NM_000816.3, NM_001375340.1, NM_001375341.1 and 4 more transcripts); c.334A>G, p.Ile112Val (NM_001375339.1); c.277A>G, p.Ile93Val (NM_001375345.1, NM_001375346.1); c.256A>G, p.Ile86Val (NM_001375347.1); c.58A>G, p.Ile20Val (NM_001375349.1); c.-31-47A>G (NM_001375350.1, NM_001375348.1); short protein forms I112V, I115V, I20V, I86V, I93V.
Identifiers: ClinVar variation 3372580 (VCV003372580.1).